The following is an entry in ClinVar:

NM_005909.5(MAP1B):c.3023T>C (p.Ile1008Thr)

Gene: MAP1B (microtubule associated protein 1B; plus strand). Cytogenetic location: 5q13.2.
Variant type: single nucleotide variant.
Coding change: c.3023T>C on transcript NM_005909.5 (MANE Select); coding-DNA position 3023, T replaced by C.
Protein change: p.Ile1008Thr; replaces isoleucine 1008 with threonine.
Molecular consequence: missense variant.
Genome position (GRCh38, 1-based): chr5:72,196,378, T>C. VCF-style: chr5-72196378-T-C. GRCh37 (hg19) VCF-style: chr5-71492205-T-C.
Other names: c.2645T>C, p.Ile882Thr (NM_001324255.2); short protein forms I1008T, I882T.
Identifiers: ClinVar variation 3769442 (VCV003769442.2).

ClinVar aggregate classification (germline): Uncertain significance (1 of 4 stars; one submission).

Submission:

Women's Health and Genetics/Laboratory Corporation of America, LabCorp
Classification: Uncertain significance. Last evaluated: 2025-01-31. Review status: criteria provided, single submitter. Criteria: LabCorp Variant Classification Summary - May 2015. Collection method: clinical testing. Allele origin: germline.
Comment: Variant summary: MAP1B c.3023T>C (p.Ile1008Thr) results in a non-conservative amino acid change in the encoded protein sequence. Three of five in-silico tools predict a benign effect of the variant on protein function. The variant was absent in 251098 control chromosomes. The available data on variant occurrences in the general population are insufficient to allow any conclusion about variant significance. To our knowledge, no occurrence of c.3023T>C in individuals affected with Periventricular Nodular Heterotopia 9 and no experimental evidence demonstrating its impact on protein function have been reported. No submitters have cited clinical-significance assessments for this variant to ClinVar. Based on the evidence outlined above, the variant was classified as uncertain significance.